The following is an entry in ClinVar:

NM_004370.6(COL12A1):c.4148G>A (p.Gly1383Asp)

Gene: COL12A1 (collagen type XII alpha 1 chain; minus strand). Cytogenetic location: 6q13.
Variant type: single nucleotide variant.
Coding change: c.4148G>A on transcript NM_004370.6 (MANE Select); coding-DNA position 4148, G replaced by A.
Protein change: p.Gly1383Asp; replaces glycine 1383 with aspartic acid.
Molecular consequence: missense variant.
Genome position (GRCh38, 1-based): chr6:75,148,497, C>T on the plus strand (G>A on the coding strand, the complement: COL12A1 is on the minus strand). VCF-style: chr6-75148497-C-T. GRCh37 (hg19) VCF-style: chr6-75858213-C-T.
Other names: p.Gly1383Asp; c.656G>A, p.Gly219Asp (NM_080645.3); short protein forms G1383D, G219D.
Identifiers: ClinVar variation 998840 (VCV000998840.7), dbSNP rs1183950908, ClinGen allele CA364746136.
Genomic context (GRCh38, chr6:75,148,497, plus strand): 5'-ACTCTAAAAGAACGATGGGTTCGCTCAGAAATAACTAAGTTAGAAGGTGCTTCCAAATCA[C>T]CTACACATGGAAATAAAGGGTATACACTTTTCTCATTATTGTAGAAAGGTGACAATATTT-3'
Protein context (NP_004361.3, residues 1373-1393): INLCNSVKGP[Gly1383Asp]DLEAPSNLVI

ClinVar aggregate classification (germline): Uncertain significance. Review status: criteria provided, multiple submitters, no conflicts (2 of 4 stars). 3 submissions from 3 submitters: Uncertain significance (3). Last evaluated 2025-07-18.

Conditions:
Ullrich congenital muscular dystrophy 2 (UCMD2). Identifiers: Orphanet 75840, MedGen C4225314, MONDO:0014654, OMIM 616470.
Bethlem myopathy 2 (BTHLM2). Identifiers: Orphanet 536516, Orphanet 610, MedGen C4225313, MONDO:0034022, OMIM 616471.

Allele frequency attached by ClinVar (database versions not stated): gnomAD exomes below 0.00001 and 0.00002; gnomAD 0.00001; TOPMed 0.00001.
gnomAD v4.1: 30 of 1,611,912 alleles (0.0019%); highest among the groups gnomAD compares: Non-Finnish European, 0.0025%; no homozygotes.

Submissions (3):

Mayo Clinic Laboratories, Mayo Clinic
Classification: Uncertain significance. Last evaluated: 2025-07-18. Review status: criteria provided, single submitter. Criteria: ACMG Guidelines, 2015. Collection method: clinical testing. Allele origin: germline. Observed: 1 variant allele.
Comment: PM2_supporting

Labcorp Genetics (formerly Invitae), Labcorp
Classification: Uncertain significance for Bethlem myopathy 2; Ullrich congenital muscular dystrophy 2. Last evaluated: 2025-07-08. Review status: criteria provided, single submitter. Criteria: Invitae Variant Classification Sherloc (09022015). Collection method: clinical testing. Allele origin: germline.
Comment: This sequence change replaces glycine, which is neutral and non-polar, with aspartic acid, which is acidic and polar, at codon 1383 of the COL12A1 protein (p.Gly1383Asp). This variant is present in population databases (no rsID available, gnomAD 0.0009%). This variant has not been reported in the literature in individuals affected with COL12A1-related conditions. ClinVar contains an entry for this variant (Variation ID: 998840). An algorithm developed to predict the effect of missense changes on protein structure and function (PolyPhen-2) suggests that this variant is likely to be tolerated. Algorithms developed to predict the effect of sequence changes on RNA splicing suggest that this variant may disrupt the consensus splice site. In summary, the available evidence is currently insufficient to determine the role of this variant in disease. Therefore, it has been classified as a Variant of Uncertain Significance.

Blueprint Genetics
Classification: Uncertain significance. Last evaluated: 2024-07-05. Review status: criteria provided, single submitter. Criteria: ACMG Guidelines, 2015. Collection method: clinical testing. Allele origin: germline.